The following is an entry in ClinVar:

NM_000380.4(XPA):c.314G>A (p.Cys105Tyr)

Gene: XPA (XPA, DNA damage recognition and repair factor; minus strand). Cytogenetic location: 9q22.33.
Variant type: single nucleotide variant.
Coding change: c.314G>A on transcript NM_000380.4 (MANE Select); coding-DNA position 314, G replaced by A.
Protein change: p.Cys105Tyr; replaces cysteine 105 with tyrosine.
Molecular consequence: missense variant. On other transcripts: non-coding transcript variant (2).
Genome position (GRCh38, 1-based): chr9:97,689,609, C>T on the plus strand (G>A on the coding strand, the complement: XPA is on the minus strand). VCF-style: chr9-97689609-C-T. GRCh37 (hg19) VCF-style: chr9-100451891-C-T.
Other names: c.188G>A, p.Cys63Tyr (NM_001354975.2); short protein forms C105Y, C63Y.
Identifiers: ClinVar variation 2242179 (VCV002242179.3), dbSNP rs1286103706, ClinGen allele CA374187847.

ClinVar aggregate classification (germline): Conflicting classifications of pathogenicity. Review status: criteria provided, conflicting classifications (1 of 4 stars). 2 submissions from 2 submitters: Likely pathogenic (1); Uncertain significance (1). Last evaluated 2021-09-13.

Conditions:
Inborn genetic diseases. Identifiers: MedGen C0950123, MeSH D030342.
XPA-related disorder. Also called: XPA-related condition.

Allele frequency attached by ClinVar (database versions not stated): gnomAD exomes below 0.00001.
gnomAD v4.1: 2 of 1,612,088 alleles (0.00012%); highest among the groups gnomAD compares: African/African-American, 0.0027%; no homozygotes.

Submissions (2):

Ambry Genetics
Classification: Uncertain significance for Inborn genetic diseases. Last evaluated: 2021-09-13. Review status: criteria provided, single submitter. Criteria: Ambry Variant Classification Scheme 2023. Collection method: clinical testing. Allele origin: germline.
Comment: Fassihi, 2016; Sethi, 2016 Based on insufficient or conflicting evidence, the clinical significance of this alteration remains unclear.

Blueprint Genetics
Classification: Likely pathogenic for XPA-related disorders. Last evaluated: 2019-11-21. Review status: criteria provided, single submitter. Criteria: ACMG Guidelines, 2015. Collection method: clinical testing. Allele origin: germline. Affected: yes. Observed: 1 variant allele.

Literature cited by the submitters: PubMed 26743599 (cited by Ambry Genetics); PubMed 26884178 (cited by Ambry Genetics).